The following is an entry in ClinVar:

ClinVar aggregate classification (germline): Likely benign (1 of 4 stars; one submission).

Allele frequency attached by ClinVar (database versions not stated): gnomAD 0.00215; ESP Exome Variant Server 0.00216; 1000 Genomes Project 30x 0.00312; 1000 Genomes Project 0.00339.

Submission:

CeGaT Center for Human Genetics Tuebingen
Classification: Likely benign. Last evaluated: 2026-01-01. Review status: criteria provided, single submitter. Criteria: CeGaT Center For Human Genetics Tuebingen Variant Classification Criteria Version 2. Collection method: clinical testing. Allele origin: germline. Affected: yes. Observed: 3 variant alleles.
Comment: AHNAK2: BP4, BP7

NM_138420.4(AHNAK2):c.5505G>A (p.Val1835=)

Gene: AHNAK2 (AHNAK nucleoprotein 2; minus strand). Cytogenetic location: 14q32.33.
Variant type: single nucleotide variant.
Coding change: c.5505G>A on transcript NM_138420.4 (MANE Select); coding-DNA position 5505, G replaced by A.
Protein change: p.Val1835=; no amino-acid change (valine 1835 retained).
Molecular consequence: synonymous variant.
Genome position (GRCh38, 1-based): chr14:104,949,946, C>T on the plus strand (G>A on the coding strand, the complement: AHNAK2 is on the minus strand). VCF-style: chr14-104949946-C-T. GRCh37 (hg19) VCF-style: chr14-105416283-C-T.
Other names: c.5205G>A, p.Val1735= (NM_001350929.2).
Identifiers: ClinVar variation 2644791 (VCV002644791.24), dbSNP rs371036595, ClinGen allele CA7381712.